The following is an entry in ClinVar:

ClinVar aggregate classification (germline): Pathogenic (1 of 4 stars; one submission).

Submission:

GeneDx
Classification: Pathogenic. Last evaluated: 2015-05-27. Review status: criteria provided, single submitter. Criteria: GeneDx Variant Classification (06012015). Collection method: clinical testing. Allele origin: germline. Affected: yes.
Comment: The c.883_889delCAGGGCTins14 deletion in the EDAR gene causes a frameshiftstarting with codon Glutamine 295 and changing this amino acid to a premature Stop codon, denoted p.Gln295Stop (Q295X). This variant is predicted to cause loss of normal protein function either through protein truncation or nonsense-mediated mRNA decay. Although this variant has not been previouslyreported to our knowledge, it is expected to be pathogenic.

NM_022336.4(EDAR):c.883_889delinsTGATGAGGAGCCCG (p.Gln295_Ser297delinsTer)

Genes: EDAR (ectodysplasin A receptor; minus strand), RANBP2 (RAN binding protein 2; plus strand). Cytogenetic location: 2q13.
Variant type: Indel.
Coding change: c.883_889delinsTGATGAGGAGCCCG on transcript NM_022336.4 (MANE Select); coding-DNA positions 883 to 889, CAGGGCT replaced by TGATGAGGAGCCCG.
Protein change: p.Gln295_Ser297delinsTer.
Molecular consequence: nonsense.
Genome position (GRCh38, 1-based): chr2:108,907,934-108,907,940, AGCCCTG replaced by CGGGCTCCTCATCA on the plus strand (CAGGGCT replaced by TGATGAGGAGCCCG on the coding strand, the reverse complement: EDAR is on the minus strand). VCF-style: chr2-108907934-AGCCCTG-CGGGCTCCTCATCA. GRCh37 (hg19) VCF-style: chr2-109524390-AGCCCTG-CGGGCTCCTCATCA.
Identifiers: ClinVar variation 419158 (VCV000419158.1), dbSNP rs1064793684, ClinGen allele CA16617225.